The following is an entry in ClinVar:

NM_001267550.2(TTN):c.37099C>T (p.Pro12367Ser)

Gene: TTN (titin; minus strand). Cytogenetic location: 2q31.2.
Variant type: single nucleotide variant.
Coding change: c.37099C>T on transcript NM_001267550.2 (MANE Select); coding-DNA position 37099, C replaced by T.
Protein change: p.Pro12367Ser; replaces proline 12367 with serine.
Molecular consequence: missense variant. On other transcripts: intron variant (5).
Genome position (GRCh38, 1-based): chr2:178,662,163, G>A on the plus strand (C>T on the coding strand, the complement: TTN is on the minus strand). VCF-style: chr2-178662163-G-A. GRCh37 (hg19) VCF-style: chr2-179526890-G-A.
Other names: c.13283-19846C>T (NM_003319.4); c.13859-19846C>T (NM_133437.4); c.13658-19846C>T (NM_133432.3); c.31573+803C>T (NM_133378.4); c.34354+803C>T (NM_001256850.1); short protein forms P12367S.
Identifiers: ClinVar variation 4991027 (VCV004991027.1).
Genomic context (GRCh38, chr2:178,662,163, plus strand): 5'-ATATTTCTTCTGCAGAAAAAGGACAGGGGTAAAAAATACCTGTGGCAGGTGGGGCTTCTG[G>A]TTTTGTGGGAGGAGCCTTAGGAACTTTCTTTTCTGGGACAACTTCTTGAGCTTCAGGCAC-3'
Protein context (NP_001254479.2, residues 12357-12377): KKVPKAPPTK[Pro12367Ser]EAPPATVPEV

ClinVar aggregate classification (germline): Uncertain significance (1 of 4 stars; one submission).

Conditions:
TTN-related disorder. Also called: TTN-related disorders; TTN-related condition; TTN-related disease.

Submission:

PreventionGenetics, part of Exact Sciences
Classification: Uncertain significance for TTN-related condition. Last evaluated: 2025-08-29. Review status: criteria provided, single submitter. Criteria: ACMG Guidelines, 2015. Collection method: clinical testing. Allele origin: germline.
Comment: The TTN c.37099C>T variant is predicted to result in the amino acid substitution p.Pro12367Ser. To our knowledge, this variant has not been reported in the literature or in a large population database (gnomAD), indicating this variant is rare. At this time, the clinical significance of this variant is uncertain due to the absence of conclusive functional and genetic evidence.